The following is an entry in ClinVar:

NM_000143.4(FH):c.551G>C (p.Ser184Thr)

Gene: FH (fumarate hydratase; minus strand). Cytogenetic location: 1q43.
Variant type: single nucleotide variant.
Coding change: c.551G>C on transcript NM_000143.4 (MANE Select); coding-DNA position 551, G replaced by C.
Protein change: p.Ser184Thr; replaces serine 184 with threonine.
Molecular consequence: missense variant.
Genome position (GRCh38, 1-based): chr1:241,511,971, C>G on the plus strand (G>C on the coding strand, the complement: FH is on the minus strand). VCF-style: chr1-241511971-C-G. GRCh37 (hg19) VCF-style: chr1-241675271-C-G.
Other names: short protein forms S184T.
Identifiers: ClinVar variation 848316 (VCV000848316.10), dbSNP rs750316531, ClinGen allele CA1478670.

ClinVar aggregate classification (germline): Uncertain significance (1 of 4 stars; one submission).

gnomAD v4.1: 1 of 1,613,832 alleles (0.000062%); highest among the groups gnomAD compares: South Asian, 0.0011%; no homozygotes.

Submission:

Labcorp Genetics (formerly Invitae), Labcorp
Classification: Uncertain significance. Last evaluated: 2019-12-16. Review status: criteria provided, single submitter. Criteria: Invitae Variant Classification Sherloc (09022015). Collection method: clinical testing. Allele origin: germline.
Comment: In summary, the available evidence is currently insufficient to determine the role of this variant in disease. Therefore, it has been classified as a Variant of Uncertain Significance. Algorithms developed to predict the effect of missense changes on protein structure and function are either unavailable or do not agree on the potential impact of this missense change (SIFT: "Deleterious"; PolyPhen-2: "Possibly Damaging"; Align-GVGD: "Class C0"). This variant has not been reported in the literature in individuals with FH-related conditions. This variant is present in population databases (rs750316531, ExAC 0.006%). This sequence change replaces serine with threonine at codon 184 of the FH protein (p.Ser184Thr). The serine residue is highly conserved and there is a small physicochemical difference between serine and threonine.